The following is an entry in ClinVar:

ClinVar aggregate classification (germline): Pathogenic/Likely pathogenic. Review status: criteria provided, multiple submitters, no conflicts (2 of 4 stars). 3 submissions from 3 submitters: Pathogenic (2); Likely pathogenic (1). Last evaluated 2025-10-14.

Conditions:
Inborn genetic diseases. Identifiers: MedGen C0950123, MeSH D030342.
Mucopolysaccharidosis, MPS-III-A (MPS3A). Also called: HEPARAN SULFATE SULFATASE DEFICIENCY; SANFILIPPO SYNDROME A; SULFAMIDASE DEFICIENCY; MPS III A; MPS IIIA (Sanfilippo Syndrome Type A); Mucopolysaccharidosis type IIIA (Sanfilippo A). Identifiers: Orphanet 581, Orphanet 79269, MedGen C0086647, MONDO:0009655, OMIM 252900.

Submissions (3):

Natera, Inc.
Classification: Likely pathogenic for Mucopolysaccharidosis type IIIA. Last evaluated: 2025-10-14. Review status: criteria provided, single submitter. Criteria: Natera Variant Classification Schema (03/2026). Collection method: clinical testing. Allele origin: germline.
Comment: The c.1426del variant in SGSH is a frameshift variant predicted to elongate the protein beyond the termination codon. This variant may result in a truncated or dysfunctional protein product. This variant is rare in the general population with a frequency below the threshold expected for the associated phenotype(s). This variant has been observed in one or more individuals affected with the associated recessive disease, as either homozygous or compound heterozygous with a second variant (PMID: 21204211). Given the available evidence, this variant is classified as Likely Pathogenic.

Ambry Genetics
Classification: Pathogenic for Inborn genetic diseases. Last evaluated: 2023-07-03. Review status: criteria provided, single submitter. Criteria: Ambry Variant Classification Scheme 2023. Collection method: clinical testing. Allele origin: germline.
Comment: The c.1426delC (p.H476Tfs*115) alteration, located in exon 8 (coding exon 8) of the SGSH gene, consists of a deletion of one nucleotide at position 1426, causing a translational frameshift with a predicted alternate stop codon after 115 amino acids. This alteration occurs at the 3' terminus of the SGSH gene, is not expected to trigger nonsense-mediated mRNA decay and results in the elongation of the protein by 87 amino acids. This frameshift impacts the last 27 amino acids of the native protein. However, frameshifts are typically deleterious in nature, the impacted region is critical for protein function, and a significant portion of the protein is affected (Ambry internal data). This variant was not reported in population-based cohorts in the Genome Aggregation Database (gnomAD). This alteration has been reported in an individual with mucopolysaccharidosis type III in conjunction with a second SGSH frameshift alteration and with low (<10%) enzyme activity (H&eacute;ron, 2011) Based on the available evidence, this alteration is classified as pathogenic.

Labcorp Genetics (formerly Invitae), Labcorp
Classification: Pathogenic for Mucopolysaccharidosis, MPS-III-A. Last evaluated: 2021-08-24. Review status: criteria provided, single submitter. Criteria: Invitae Variant Classification Sherloc (09022015). Collection method: clinical testing. Allele origin: germline.
Comment: For these reasons, this variant has been classified as Pathogenic. This variant disrupts a region of the SGSH protein in which other variant(s) (p.Trp479*) have been determined to be pathogenic (PMID: 21204211). This suggests that this is a clinically significant region of the protein, and that variants that disrupt it are likely to be disease-causing. This frameshift has been observed in individual(s) with mucopolysaccharidosis type III (PMID: 21204211). This variant is not present in population databases (ExAC no frequency). This sequence change results in a frameshift in the SGSH gene (p.His476Thrfs*115). While this is not anticipated to result in nonsense mediated decay, it is expected to disrupt the last 27 amino acid(s) of the SGSH protein and extend the protein by 87 additional amino acid residues.

Literature cited by the submitters: PubMed 21204211 (cited by 3 submitters).

NM_000199.5(SGSH):c.1426del (p.His476fs)

Gene: SGSH (N-sulfoglucosamine sulfohydrolase; minus strand). Cytogenetic location: 17q25.3.
Variant type: Deletion.
Coding change: c.1426del on transcript NM_000199.5 (MANE Select); coding-DNA position 1426, one base deleted (C; older notation c.1426delC).
Protein change: p.His476fs; shifts the reading frame from histidine 476.
Molecular consequence: frameshift variant. On other transcripts: 3 prime UTR variant (2), non-coding transcript variant (1).
Genome position (GRCh38, 1-based): chr17:80,210,535, G deleted on the plus strand (C on the coding strand, the reverse complement: SGSH is on the minus strand); the first of 3 consecutive G bases (chr17:80,210,535-80,210,537); deleting any one gives the same sequence. VCF-style (leftmost placement, unchanged base first): chr17-80210534-TG-T. GRCh37 (hg19) VCF-style: chr17-78184333-TG-T.
Other names: c.1426del (NM_000199.4); c.*513del (NM_001352921.3); c.*476del (NM_001352922.2); c.1426delC (NM_000199.3); short protein forms H476fs.
Identifiers: ClinVar variation 1454739 (VCV001454739.9), dbSNP rs2041597805, ClinGen allele CA2277862218.
Genomic context (GRCh38, chr17:80,210,534, plus strand): 5'-TGGCACTGGGGAGAGAGCTTCTCCTCCAGGACGCCGTCGGGGGCGCACACCCAGGGGTCG[TG>T]GGTCTCCCACTGCCACTTGGCCAGCTGGTCCCGAAGCATCTCCAGAAGCTGAGCAAAGCG-3'